The following is an entry in ClinVar:

NM_002661.5(PLCG2):c.565G>A (p.Glu189Lys)

Gene: PLCG2 (phospholipase C gamma 2; plus strand). Cytogenetic location: 16q23.3.
Variant type: single nucleotide variant.
Coding change: c.565G>A on transcript NM_002661.5 (MANE Select); coding-DNA position 565, G replaced by A.
Protein change: p.Glu189Lys; replaces glutamic acid 189 with lysine.
Molecular consequence: missense variant.
Genome position (GRCh38, 1-based): chr16:81,870,852, G>A. VCF-style: chr16-81870852-G-A. GRCh37 (hg19) VCF-style: chr16-81904457-G-A.
Other names: c.565G>A, p.Glu189Lys (NM_001425749.1, NM_001425750.1, NM_001425751.1); short protein forms E189K.
Identifiers: ClinVar variation 4995023 (VCV004995023.1).

ClinVar aggregate classification (germline): Uncertain significance (1 of 4 stars; one submission).

Conditions:
PLCG2-related disorder. Also called: PLCG2-related condition.

Submission:

PreventionGenetics, part of Exact Sciences
Classification: Uncertain significance for PLCG2-related condition. Last evaluated: 2025-09-28. Review status: criteria provided, single submitter. Criteria: ACMG Guidelines, 2015. Collection method: clinical testing. Allele origin: germline.
Comment: The PLCG2 c.565G>A variant is predicted to result in the amino acid substitution p.Glu189Lys. To our knowledge, this variant has not been reported in the literature or in a large population database (gnomAD), indicating this variant is rare. At this time, the clinical significance of this variant is uncertain due to the absence of conclusive functional and genetic evidence.